The following is an entry in ClinVar:

ClinVar aggregate classification (germline): Likely benign. Review status: criteria provided, single submitter (1 of 4 stars). 2 submissions from 2 submitters: Likely benign (1). 1 of the submissions does not count toward it. Last evaluated 2022-03-04.

Conditions:
PLXNA2-related disorder. Also called: PLXNA2-related condition.

Allele frequency attached by ClinVar (database versions not stated): gnomAD exomes 0.00001 and 0.00002; ExAC 0.00002; gnomAD 0.00003 and 0.00004; TOPMed 0.00009.
gnomAD v4.1: 22 of 1,613,902 alleles (0.0014%); highest among the groups gnomAD compares: East Asian, 0.02%; no homozygotes.

Submissions (2):

Labcorp Genetics (formerly Invitae), Labcorp
Classification: Likely benign. Last evaluated: 2022-03-04. Review status: criteria provided, single submitter. Criteria: Invitae Variant Classification Sherloc (09022015). Collection method: clinical testing. Allele origin: germline.

PreventionGenetics, part of Exact Sciences
Classification: Likely benign for PLXNA2-related condition. Last evaluated: 2021-09-03. Review status: no assertion criteria provided. Collection method: clinical testing. Allele origin: germline. Not counted in ClinVar's aggregate classification.
Comment: This variant is classified as likely benign based on ACMG/AMP sequence variant interpretation guidelines (Richards et al. 2015 PMID: 25741868, with internal and published modifications).

NM_025179.4(PLXNA2):c.3987C>T (p.Ile1329=)

Gene: PLXNA2 (plexin A2; minus strand). Cytogenetic location: 1q32.2.
Variant type: single nucleotide variant.
Coding change: c.3987C>T on transcript NM_025179.4 (MANE Select); coding-DNA position 3987, C replaced by T.
Protein change: p.Ile1329=; no amino-acid change (isoleucine 1329 retained).
Molecular consequence: synonymous variant.
Genome position (GRCh38, 1-based): chr1:208,043,091, G>A on the plus strand (C>T on the coding strand, the complement: PLXNA2 is on the minus strand). VCF-style: chr1-208043091-G-A. GRCh37 (hg19) VCF-style: chr1-208216436-G-A.
Other names: c.3987C>T (NM_025179.3).
Identifiers: ClinVar variation 1642372 (VCV001642372.10), dbSNP rs760442158, ClinGen allele CA1373015.